The following is an entry in ClinVar:

NM_000444.6(PHEX):c.1137_1149del (p.Arg380fs)

Gene: PHEX (phosphate regulating endopeptidase X-linked; plus strand). Cytogenetic location: Xp22.11.
Variant type: Deletion.
Coding change: c.1137_1149del on transcript NM_000444.6 (MANE Select); coding-DNA positions 1137 to 1149, 13 bases deleted (CAGGCGCTTTCAG).
Protein change: p.Arg380fs; shifts the reading frame from arginine 380.
Molecular consequence: frameshift variant.
Genome position (GRCh38, 1-based): chrX:22,111,524-22,111,536, CAGGCGCTTTCAG deleted; deleting any 13 consecutive bases within chrX:22,111,522-22,111,536 gives the same sequence; the c. name uses the placement nearest the transcript's 3' end. VCF-style (leftmost placement, unchanged base first): chrX-22111521-TAGCAGGCGCTTTC-T. GRCh37 (hg19) VCF-style: chrX-22129639-TAGCAGGCGCTTTC-T.
Other names: c.1137_1149del, p.Arg380fs (NM_001282754.2); short protein forms R380fs.
Identifiers: ClinVar variation 1070065 (VCV001070065.7), dbSNP rs2147061992, ClinGen allele CA2499226578.

ClinVar aggregate classification (germline): Pathogenic (1 of 4 stars; one submission).

Submission:

Labcorp Genetics (formerly Invitae), Labcorp
Classification: Pathogenic. Last evaluated: 2020-02-22. Review status: criteria provided, single submitter. Criteria: Invitae Variant Classification Sherloc (09022015). Collection method: clinical testing. Allele origin: germline.
Comment: This sequence change creates a premature translational stop signal (p.Arg380Ilefs*9) in the PHEX gene. It is expected to result in an absent or disrupted protein product. This variant is not present in population databases (ExAC no frequency). This variant has not been reported in the literature in individuals with PHEX-related conditions. Loss-of-function variants in PHEX are known to be pathogenic (PMID: 9097956, 9106524, 19219621). For these reasons, this variant has been classified as Pathogenic.

Literature cited by the submitters: PubMed 9097956; PubMed 9106524; PubMed 19219621.